The following is an entry in ClinVar:

NM_000208.4(INSR):c.*2340A>G

Gene: INSR (insulin receptor; minus strand). Cytogenetic location: 19p13.2.
Variant type: single nucleotide variant.
Coding change: c.*2340A>G on transcript NM_000208.4 (MANE Select); 2340 bases downstream of the stop codon, A replaced by G.
Molecular consequence: 3 prime UTR variant.
Genome position (GRCh38, 1-based): chr19:7,114,716, T>C on the plus strand (A>G on the coding strand, the complement: INSR is on the minus strand). VCF-style: chr19-7114716-T-C. GRCh37 (hg19) VCF-style: chr19-7114727-T-C.
Other names: c.*2340A>G (NM_001079817.3).
Identifiers: ClinVar variation 330389 (VCV000330389.6), dbSNP rs78987925, ClinGen allele CA10649210.
Genomic context (GRCh38, chr19:7,114,716, plus strand): 5'-TGAGGTAGACTGTGCTGAAAAAAGAAAATCACTATCCCCCATTCACCTGTTTATTTTTCT[T>C]TGATAAAAATTTACATGCGCTCCATTTTTTATGAGAGTGATTTTCAGAGTGATTTTATAT-3'

ClinVar aggregate classification (germline): Benign. Review status: criteria provided, multiple submitters, no conflicts (2 of 4 stars). 4 submissions from 2 submitters: Benign (4). Last evaluated 2018-01-12.

Conditions:
Insulin-resistant diabetes mellitus AND acanthosis nigricans. Also called: Insulin-resistance syndrome type A; INSULIN RECEPTOR, DEFECT IN, WITH INSULIN-RESISTANT DIABETES MELLITUS AND ACANTHOSIS NIGRICANS; IRAN, TYPE A; type A insulin resistance; DIABETES MELLITUS, INSULIN-RESISTANT, WITH ACANTHOSIS NIGRICANS, TYPE A. Identifiers: Orphanet 2297, MedGen C0342278, MONDO:0012520, OMIM 610549.
Rabson-Mendenhall syndrome. Also called: MENDENHALL SYNDROME; Pineal Hyperplasia, Insulin-Resistant Diabetes Mellitus, and Somatic Abnormalities; Pineal hyperplasia AND diabetes mellitus syndrome. Identifiers: Orphanet 769, MedGen C0271695, MONDO:0009874, OMIM 262190.
Leprechaunism syndrome. Also called: Donohue syndrome; LEPRECHAUNISM. Identifiers: Orphanet 508, MedGen C0265344, MONDO:0009517, OMIM 246200.

Allele frequency attached by ClinVar (database versions not stated): TOPMed 0.00925; gnomAD 0.01136 and 0.01226; gnomAD exomes 0.03972; 1000 Genomes Project 0.00479; 1000 Genomes Project 30x 0.00547.
gnomAD v4.1: 1,803 of 152,708 alleles (1.2%); highest among the groups gnomAD compares: Non-Finnish European, 1.6%; 16 homozygotes.

Submissions (4):

Illumina Laboratory Services, Illumina
Classification: Benign for Insulin-resistant diabetes mellitus AND acanthosis nigricans. Last evaluated: 2018-01-12. Review status: criteria provided, single submitter. Criteria: ICSL Variant Classification Criteria 13 December 2019. Collection method: clinical testing. Allele origin: germline.
Comment: This variant was observed in the ICSL laboratory as part of a predisposition screen in an ostensibly healthy population. It had not been previously curated by ICSL or reported in the Human Gene Mutation Database (HGMD: prior to June 1st, 2018), and was therefore a candidate for classification through an automated scoring system. Utilizing variant allele frequency, disease prevalence and penetrance estimates, and inheritance mode, an automated score was calculated to assess if this variant is too frequent to cause the disease. Based on the score and internal cut-off values, a variant classified as benign is not then subjected to further curation. The score for this variant resulted in a classification of benign for this disease.

Illumina Laboratory Services, Illumina
Classification: Benign for Rabson-Mendenhall syndrome. Last evaluated: 2018-01-12. Review status: criteria provided, single submitter. Criteria: ICSL Variant Classification Criteria 13 December 2019. Collection method: clinical testing. Allele origin: germline.
Comment: the same text as in the submission from Illumina Laboratory Services, Illumina above.

Illumina Laboratory Services, Illumina
Classification: Benign for Leprechaunism syndrome. Last evaluated: 2018-01-12. Review status: criteria provided, single submitter. Criteria: ICSL Variant Classification Criteria 13 December 2019. Collection method: clinical testing. Allele origin: germline.
Comment: the same text as in the submission from Illumina Laboratory Services, Illumina above.

Breakthrough Genomics
Classification: Benign. Review status: criteria provided, single submitter. Criteria: ACMG Guidelines, 2015. Collection method: not provided. Allele origin: germline. Inheritance: Autosomal recessive inheritance. Affected: yes.